The following is an entry in ClinVar:

ClinVar aggregate classification (germline): Pathogenic (0 of 4 stars; one submission).

Conditions:
Pyruvate dehydrogenase E1-alpha deficiency (PDHAD). Also called: ATAXIA, INTERMITTENT, WITH PYRUVATE DEHYDROGENASE DEFICIENCY; ATAXIA WITH LACTIC ACIDOSIS I; ATAXIA, INTERMITTENT, WITH ABNORMAL PYRUVATE METABOLISM; Ataxia, intermittent, with pyruvate dehydrogenase, or decarboxylase, deficiency. Identifiers: Orphanet 79243, MedGen C1839413, MONDO:0010717, OMIM 312170.

Submission:

PDHA1 Study Group, University Children’s Hospital, Paracelsus Medical University
Classification: Pathogenic for Pyruvate dehydrogenase E1-alpha deficiency. Last evaluated: 2024-10-15. Review status: no assertion criteria provided. Collection method: research. Allele origin: germline. Affected: yes. Observed: 1 variant allele.
Comment: The NM_000284.3:c.1140_1150dup (p.Ile384ThrfsTer44) change is a frameshift variant in PDHA1 gene. This variant is predicted to escape nonsense-mediated decay (NMD). The variant has been reported in 1 published case (PMIDs: 21812000). Last literature search: July 12, 2024. This variant is absent or extremely rare in population-based cohorts in the Genome Aggregation Database (gnomAD). Individuals harboring this variant presented with clinical features compatible with PDHA1-related PDHc deficiency. In summary, this variant meets criteria to be classified as pathogenic (P) for PDHA1-related PDHc deficiency based on the ACMG/AMP criteria applied: PVS1, PS2, PM2, PM7, PP5 (last assessment October 15, 2024).

Literature cited by the submitters: PubMed 21812000; DOI 10.1093/brain/awaf430.

NM_000284.4(PDHA1):c.1140_1150dup (p.Ile384fs)

Gene: PDHA1 (pyruvate dehydrogenase E1 subunit alpha 1; plus strand). Cytogenetic location: Xp22.12.
Variant type: Duplication.
Coding change: c.1140_1150dup on transcript NM_000284.4 (MANE Select); coding-DNA positions 1140 to 1150, 11 bases duplicated (CAATCAGTGGA).
Protein change: p.Ile384fs; shifts the reading frame from isoleucine 384.
Molecular consequence: frameshift variant.
Genome position (GRCh38, 1-based): chrX:19,359,620-19,359,630, CAATCAGTGGA duplicated. VCF-style (leftmost placement, unchanged base first): chrX-19359619-C-CCAATCAGTGGA. GRCh37 (hg19) VCF-style: chrX-19377737-C-CCAATCAGTGGA.
Other names: c.1254_1264dup, p.Ile422fs (NM_001173454.2); c.1161_1171dup, p.Ile391fs (NM_001173455.2); c.1047_1057dup, p.Ile353fs (NM_001173456.2); short protein forms I353fs, I384fs, I391fs, I422fs.
Identifiers: ClinVar variation 4070470 (VCV004070470.1).